The following is an entry in ClinVar:

NM_016026.4(RDH11):c.517G>A (p.Val173Ile)

Genes: GPHN (gephyrin; plus strand), RDH11 (retinol dehydrogenase 11; minus strand). Cytogenetic location: 14q24.1.
Variant type: single nucleotide variant.
Coding change: c.517G>A on transcript NM_016026.4 (MANE Select); coding-DNA position 517, G replaced by A.
Protein change: p.Val173Ile; replaces valine 173 with isoleucine.
Molecular consequence: missense variant. On other transcripts: intron variant (1).
Genome position (GRCh38, 1-based): chr14:67,690,359, C>T on the plus strand (G>A on the coding strand, the complement: RDH11 is on the minus strand). VCF-style: chr14-67690359-C-T. GRCh37 (hg19) VCF-style: chr14-68157076-C-T.
Other names: c.517G>A (NM_016026.3); c.454+781G>A (NM_001252650.2); short protein forms V173I.
Identifiers: ClinVar variation 1046807 (VCV001046807.7), dbSNP rs774471808, ClinGen allele CA7238368.

ClinVar aggregate classification (germline): Uncertain significance. Review status: criteria provided, multiple submitters, no conflicts (2 of 4 stars). 2 submissions from 2 submitters: Uncertain significance (2). Last evaluated 2025-09-01.

Allele frequency attached by ClinVar (database versions not stated): ExAC 0.00001; gnomAD 0.00001; gnomAD exomes 0.00001; TOPMed 0.00001.
gnomAD v4.1: 4 of 1,614,090 alleles (0.00025%); highest among the groups gnomAD compares: Non-Finnish European, 0.00034%; no homozygotes.

Submissions (2):

Ambry Genetics
Classification: Uncertain significance. Last evaluated: 2025-09-01. Review status: criteria provided, single submitter. Criteria: Ambry Variant Classification Scheme 2023. Collection method: clinical testing. Allele origin: germline.

Labcorp Genetics (formerly Invitae), Labcorp
Classification: Uncertain significance. Last evaluated: 2022-10-05. Review status: criteria provided, single submitter. Criteria: Invitae Variant Classification Sherloc (09022015). Collection method: clinical testing. Allele origin: germline.
Comment: This sequence change replaces valine, which is neutral and non-polar, with isoleucine, which is neutral and non-polar, at codon 173 of the RDH11 protein (p.Val173Ile). This variant is present in population databases (rs774471808, gnomAD 0.002%). This variant has not been reported in the literature in individuals affected with RDH11-related conditions. ClinVar contains an entry for this variant (Variation ID: 1046807). Algorithms developed to predict the effect of missense changes on protein structure and function output the following: SIFT: "Tolerated"; PolyPhen-2: "Benign"; Align-GVGD: "Class C0". The isoleucine amino acid residue is found in multiple mammalian species, which suggests that this missense change does not adversely affect protein function. In summary, the available evidence is currently insufficient to determine the role of this variant in disease. Therefore, it has been classified as a Variant of Uncertain Significance.